The following is an entry in ClinVar:

ClinVar aggregate classification (germline): Likely pathogenic (1 of 4 stars; one submission).

Conditions:
Bardet-Biedl syndrome (BBS). Identifiers: Orphanet 110, MedGen C0752166, MONDO:0015229.

Submission:

Labcorp Genetics (formerly Invitae), Labcorp
Classification: Likely pathogenic for Bardet-Biedl syndrome. Last evaluated: 2023-06-20. Review status: criteria provided, single submitter. Criteria: Invitae Variant Classification Sherloc (09022015). Collection method: clinical testing. Allele origin: germline.
Comment: In summary, the currently available evidence indicates that the variant is pathogenic, but additional data are needed to prove that conclusively. Therefore, this variant has been classified as Likely Pathogenic. Algorithms developed to predict the effect of sequence changes on RNA splicing suggest that this variant may disrupt the consensus splice site. This variant has not been reported in the literature in individuals affected with BBS7-related conditions. This variant is not present in population databases (gnomAD no frequency). This variant results in the deletion of part of exon 3 (c.103-268_112del) of the BBS7 gene. It is expected to disrupt RNA splicing. Variants that disrupt the donor or acceptor splice site typically lead to a loss of protein function (PMID: 16199547), and loss-of-function variants in BBS7 are known to be pathogenic (PMID: 12567324, 19402160, 21209035, 31196119).

Literature cited by the submitters: PubMed 16199547; PubMed 12567324; PubMed 19402160; PubMed 21209035; PubMed 31196119.

NM_176824.3(BBS7):c.103-268_112del

Gene: BBS7 (Bardet-Biedl syndrome 7; minus strand). Cytogenetic location: 4q27.
Variant type: Deletion.
Coding change: c.103-268_112del on transcript NM_176824.3 (MANE Select); 268 bases into the intron before coding-DNA position 103 through coding-DNA position 112, 278 bases deleted.
Molecular consequence: splice acceptor variant.
Genome position (GRCh38, 1-based): chr4:121,863,270-121,863,547, 278 bases deleted. GRCh37 (hg19): chr4:122,784,428-122,784,705.
Other names: c.103-268_112del (NM_018190.4).
Identifiers: ClinVar variation 2720214 (VCV002720214.3), dbSNP rs2476585170, ClinGen allele CA2697546905.